The following is an entry in ClinVar:

ClinVar aggregate classification (germline): Uncertain significance (1 of 4 stars; one submission).

Conditions:
Cardiovascular phenotype. Identifiers: MedGen CN230736.

Submission:

Ambry Genetics
Classification: Uncertain significance for Cardiovascular phenotype. Last evaluated: 2022-09-27. Review status: criteria provided, single submitter. Criteria: Ambry Variant Classification Scheme 2023. Collection method: clinical testing. Allele origin: germline.
Comment: The p.E217K variant (also known as c.649G>A), located in coding exon 7 of the ACTN2 gene, results from a G to A substitution at nucleotide position 649. The glutamic acid at codon 217 is replaced by lysine, an amino acid with similar properties. This amino acid position is conserved. In addition, this alteration is predicted to be tolerated by in silico analysis. Since supporting evidence is limited at this time, the clinical significance of this alteration remains unclear.

NM_001103.4(ACTN2):c.649G>A (p.Glu217Lys)

Gene: ACTN2 (actinin alpha 2; plus strand). Cytogenetic location: 1q43.
Variant type: single nucleotide variant.
Coding change: c.649G>A on transcript NM_001103.4 (MANE Select); coding-DNA position 649, G replaced by A.
Protein change: p.Glu217Lys; replaces glutamic acid 217 with lysine.
Molecular consequence: missense variant. On other transcripts: 5 prime UTR variant (1).
Genome position (GRCh38, 1-based): chr1:236,731,266, G>A. VCF-style: chr1-236731266-G-A. GRCh37 (hg19) VCF-style: chr1-236894566-G-A.
Other names: c.649G>A, p.Glu217Lys (NM_001278343.2); c.-173G>A (NM_001278344.2); c.-298G>A (NM_001412150.1); short protein forms E217K.
Identifiers: ClinVar variation 1753873 (VCV001753873.2), dbSNP rs2527574649, ClinGen allele CA345375831.